The following is an entry in ClinVar:

NM_031220.4(PITPNM3):c.2746T>G (p.Phe916Val)

Gene: PITPNM3 (PITPNM family member 3; minus strand). Cytogenetic location: 17p13.2.
Variant type: single nucleotide variant.
Coding change: c.2746T>G on transcript NM_031220.4 (MANE Select); coding-DNA position 2746, T replaced by G.
Protein change: p.Phe916Val; replaces phenylalanine 916 with valine.
Molecular consequence: missense variant.
Genome position (GRCh38, 1-based): chr17:6,455,517, A>C on the plus strand (T>G on the coding strand, the complement: PITPNM3 is on the minus strand). VCF-style: chr17-6455517-A-C. GRCh37 (hg19) VCF-style: chr17-6358837-A-C.
Other names: c.2638T>G, p.Phe880Val (NM_001165966.2); short protein forms F916V, F880V.
Identifiers: ClinVar variation 324742 (VCV000324742.8), dbSNP rs750289060, ClinGen allele CA8329026.
Genomic context (GRCh38, chr17:6,455,517, plus strand): 5'-CGGGCGGGTCGGGCTGCTGCACTGACATGGTTCTGCGCAGGTGGTTGCGCTTCCGCAGGA[A>C]CTCTGGCTGCGCGTGCAGCCCGAAGCTGCCCTTGCGCAGGATCATGCGCGAGTTGTTCTT-3'
Protein context (NP_112497.2, residues 906-926): GSFGLHAQPE[Phe916Val]LRKRNHLRRT

ClinVar aggregate classification (germline): Uncertain significance. Review status: criteria provided, multiple submitters, no conflicts (2 of 4 stars). 2 submissions from 2 submitters: Uncertain significance (2). Last evaluated 2025-06-15.

Conditions:
Cone-rod dystrophy 5 (CORD5). Identifiers: Orphanet 1872, MedGen C1832976, MONDO:0010969, OMIM 600977.

Allele frequency attached by ClinVar (database versions not stated): gnomAD exomes 0.00001; TOPMed 0.00001; gnomAD 0.00007.
gnomAD v4.1: 20 of 1,604,768 alleles (0.0012%); highest among the groups gnomAD compares: Admixed American, 0.0017%; no homozygotes.

Submissions (2):

Labcorp Genetics (formerly Invitae), Labcorp
Classification: Uncertain significance. Last evaluated: 2025-06-15. Review status: criteria provided, single submitter. Criteria: Invitae Variant Classification Sherloc (09022015). Collection method: clinical testing. Allele origin: germline.
Comment: This sequence change replaces phenylalanine, which is neutral and non-polar, with valine, which is neutral and non-polar, at codon 916 of the PITPNM3 protein (p.Phe916Val). This variant is present in population databases (rs750289060, gnomAD 0.003%). This variant has not been reported in the literature in individuals affected with PITPNM3-related conditions. ClinVar contains an entry for this variant (Variation ID: 324742). Invitae Evidence Modeling of protein sequence and biophysical properties (such as structural, functional, and spatial information, amino acid conservation, physicochemical variation, residue mobility, and thermodynamic stability) indicates that this missense variant is not expected to disrupt PITPNM3 protein function with a negative predictive value of 80%. In summary, the available evidence is currently insufficient to determine the role of this variant in disease. Therefore, it has been classified as a Variant of Uncertain Significance.

Illumina Laboratory Services, Illumina
Classification: Uncertain significance for Cone-rod dystrophy 5. Last evaluated: 2018-01-12. Review status: criteria provided, single submitter. Criteria: ICSL Variant Classification Criteria 13 December 2019. Collection method: clinical testing. Allele origin: germline.